The following is an entry in ClinVar:

ClinVar aggregate classification (germline): Benign/Likely benign. Review status: criteria provided, multiple submitters, no conflicts (2 of 4 stars). 4 submissions from 4 submitters: Benign (1); Likely benign (2). 1 of the submissions does not count toward it. Last evaluated 2025-11-02.

Conditions:
LRRC56-related disorder. Also called: LRRC56-related condition.

Allele frequency attached by ClinVar (database versions not stated): ESP Exome Variant Server 0.00008; gnomAD 0.00018 and 0.00029; gnomAD exomes 0.00031 and 0.00039; TOPMed 0.00038; ExAC 0.00039; 1000 Genomes Project 30x 0.00109; 1000 Genomes Project 0.00120.
gnomAD v4.1: 503 of 1,613,336 alleles (0.031%); highest among the groups gnomAD compares: East Asian, 0.9%; 3 homozygotes.

Submissions (4):

Labcorp Genetics (formerly Invitae), Labcorp
Classification: Benign. Last evaluated: 2025-11-02. Review status: criteria provided, single submitter. Criteria: Invitae Variant Classification Sherloc (09022015). Collection method: clinical testing. Allele origin: germline.

Blueprint Genetics
Classification: Likely benign. Last evaluated: 2024-10-15. Review status: criteria provided, single submitter. Criteria: ACMG Guidelines, 2015. Collection method: clinical testing. Allele origin: germline.

CeGaT Center for Human Genetics Tuebingen
Classification: Likely benign. Last evaluated: 2022-12-01. Review status: criteria provided, single submitter. Criteria: CeGaT Center For Human Genetics Tuebingen Variant Classification Criteria Version 2. Collection method: clinical testing. Allele origin: germline. Affected: yes. Observed: 1 variant allele.
Comment: LRRC56: BP4, BP7

PreventionGenetics, part of Exact Sciences
Classification: Likely benign for LRRC56-related condition. Last evaluated: 2019-11-11. Review status: no assertion criteria provided. Collection method: clinical testing. Allele origin: germline. Not counted in ClinVar's aggregate classification.
Comment: This variant is classified as likely benign based on ACMG/AMP sequence variant interpretation guidelines (Richards et al. 2015 PMID: 25741868, with internal and published modifications).

NM_198075.4(LRRC56):c.513C>T (p.Ser171=)

Gene: LRRC56 (leucine rich repeat containing 56; plus strand). Cytogenetic location: 11p15.5.
Variant type: single nucleotide variant.
Coding change: c.513C>T on transcript NM_198075.4 (MANE Select); coding-DNA position 513, C replaced by T.
Protein change: p.Ser171=; no amino-acid change (serine 171 retained).
Molecular consequence: synonymous variant.
Genome position (GRCh38, 1-based): chr11:550,161, C>T. VCF-style: chr11-550161-C-T. GRCh37 (hg19) VCF-style: chr11-550161-C-T.
Other names: c.513C>T (NM_198075.3).
Identifiers: ClinVar variation 1623128 (VCV001623128.34), dbSNP rs148311239, ClinGen allele CA5779727.
Genomic context (GRCh38, chr11:550,161, plus strand): 5'-GGACCTGAGCCCACTGTGCCTGCTGGAACAATTGGAGGTGCTGGACCTGGAGGGCAACAG[C>T]GTGGAGGACCTGGGGCAGGTGCGCTACTTGCAGCTGTGCCCACGCCTGGCCATGCTCACC-3'
Protein context (NP_932341.1, residues 161-181): QLEVLDLEGN[Ser171=]VEDLGQVRYL